The following is an entry in ClinVar:

NM_001002294.3(FMO3):c.1050C>T (p.Ile350=)

Gene: FMO3 (flavin containing dimethylaniline monoxygenase 3; plus strand). Cytogenetic location: 1q24.3.
Variant type: single nucleotide variant.
Coding change: c.1050C>T on transcript NM_001002294.3 (MANE Select); coding-DNA position 1050, C replaced by T.
Protein change: p.Ile350=; no amino-acid change (isoleucine 350 retained).
Molecular consequence: synonymous variant.
Genome position (GRCh38, 1-based): chr1:171,114,229, C>T. VCF-style: chr1-171114229-C-T. GRCh37 (hg19) VCF-style: chr1-171083369-C-T.
Other names: c.990C>T, p.Ile330= (NM_001319173.2); c.861C>T, p.Ile287= (NM_001319174.2); c.1050C>T, p.Ile350= (NM_006894.6).
Identifiers: ClinVar variation 2718724 (VCV002718724.5), dbSNP rs148504519, ClinGen allele CA1240723.
Genomic context (GRCh38, chr1:171,114,229, plus strand): 5'-GTATAGTTTTGCCTACCCCTTCCTTGATGAGTCTATCATCAAAAGCAGAAACAATGAGAT[C>T]ATTTTATTTAAAGGAGTATTTCCTCCTCTACTTGAGAAGTCAACCATAGCAGTGATTGGC-3'
Protein context (NP_001002294.1, residues 340-360): ESIIKSRNNE[Ile350=]ILFKGVFPPL

ClinVar aggregate classification (germline): Benign/Likely benign. Review status: criteria provided, multiple submitters, no conflicts (2 of 4 stars). 2 submissions from 2 submitters: Benign (1); Likely benign (1). Last evaluated 2026-04-01.

Allele frequency attached by ClinVar (database versions not stated): gnomAD exomes 0.00012; ExAC 0.00030; 1000 Genomes Project 0.00080; 1000 Genomes Project 30x 0.00094; ESP Exome Variant Server 0.00108; TOPMed 0.00116.
gnomAD v4.1: 324 of 1,613,926 alleles (0.02%); highest among the groups gnomAD compares: African/African-American, 0.38%; no homozygotes.

Submissions (2):

CeGaT Center for Human Genetics Tuebingen
Classification: Likely benign. Last evaluated: 2026-04-01. Review status: criteria provided, single submitter. Criteria: CeGaT Center For Human Genetics Tuebingen Variant Classification Criteria Version 2. Collection method: clinical testing. Allele origin: germline. Affected: yes. Observed: 1 variant allele.
Comment: FMO3: BP4, BP7

Labcorp Genetics (formerly Invitae), Labcorp
Classification: Benign. Last evaluated: 2026-01-14. Review status: criteria provided, single submitter. Criteria: Invitae Variant Classification Sherloc (09022015). Collection method: clinical testing. Allele origin: germline.